The following is an entry in ClinVar:

ClinVar aggregate classification (germline): Uncertain significance (1 of 4 stars; one submission).

Conditions:
Primary ciliary dyskinesia 32. Also called: CILIARY DYSKINESIA, PRIMARY, 32, WITHOUT SITUS INVERSUS. Identifiers: Orphanet 244, MedGen C4225311, MONDO:0014657, OMIM 616481.

Allele frequency attached by ClinVar (database versions not stated): gnomAD exomes below 0.00001 and 0.00001; ExAC 0.00001.
gnomAD v4.1: 6 of 1,613,890 alleles (0.00037%); highest among the groups gnomAD compares: Non-Finnish European, 0.00042%; no homozygotes.

Submission:

Labcorp Genetics (formerly Invitae), Labcorp
Classification: Uncertain significance for Primary ciliary dyskinesia 32. Last evaluated: 2022-04-17. Review status: criteria provided, single submitter. Criteria: Invitae Variant Classification Sherloc (09022015). Collection method: clinical testing. Allele origin: germline.
Comment: This sequence change replaces arginine, which is basic and polar, with cysteine, which is neutral and slightly polar, at codon 377 of the RSPH3 protein (p.Arg377Cys). This variant is present in population databases (rs778108869, gnomAD 0.002%). In summary, the available evidence is currently insufficient to determine the role of this variant in disease. Therefore, it has been classified as a Variant of Uncertain Significance. Algorithms developed to predict the effect of missense changes on protein structure and function are either unavailable or do not agree on the potential impact of this missense change (SIFT: "Tolerated"; PolyPhen-2: "Probably Damaging"; Align-GVGD: "Class C0"). ClinVar contains an entry for this variant (Variation ID: 566228). This variant has not been reported in the literature in individuals affected with RSPH3-related conditions.

NM_031924.8(RSPH3):c.703C>T (p.Arg235Cys)

Gene: RSPH3 (radial spoke head 3; minus strand). Cytogenetic location: 6q25.3.
Variant type: single nucleotide variant.
Coding change: c.703C>T on transcript NM_031924.8 (MANE Select); coding-DNA position 703, C replaced by T.
Protein change: p.Arg235Cys; replaces arginine 235 with cysteine.
Molecular consequence: missense variant. On other transcripts: non-coding transcript variant (1).
Genome position (GRCh38, 1-based): chr6:158,980,930, G>A on the plus strand (C>T on the coding strand, the complement: RSPH3 is on the minus strand). VCF-style: chr6-158980930-G-A. GRCh37 (hg19) VCF-style: chr6-159401962-G-A.
Other names: c.841C>T, p.Arg281Cys (NM_001346418.1); short protein forms R281C, R235C.
Identifiers: ClinVar variation 566228 (VCV000566228.6), dbSNP rs778108869, ClinGen allele CA4075836.
Genomic context (GRCh38, chr6:158,980,930, plus strand): 5'-CGGCGATTTTTTGTGATGTCTCGTTGTGCTTGTGCATTATTTCCCACTGCTGTTTCTTAC[G>A]CCGTTCCTGCCAAGAACGACAGAGGTGGTTATTTAGCTCTTATGCCCTCCCCAAGTGCTG-3'
Protein context (NP_114130.4, residues 225-245): ERRHREEKER[Arg235Cys]KKQQWEIMHK